The following is an entry in ClinVar:

NM_001278116.2(L1CAM):c.66C>G (p.Ile22Met)

Gene: L1CAM (L1 cell adhesion molecule; minus strand). Cytogenetic location: Xq28.
Variant type: single nucleotide variant.
Coding change: c.66C>G on transcript NM_001278116.2 (MANE Select); coding-DNA position 66, C replaced by G.
Protein change: p.Ile22Met; replaces isoleucine 22 with methionine.
Molecular consequence: missense variant.
Genome position (GRCh38, 1-based): chrX:153,875,771, G>C on the plus strand (C>G on the coding strand, the complement: L1CAM is on the minus strand). VCF-style: chrX-153875771-G-C. GRCh37 (hg19) VCF-style: chrX-153141226-G-C.
Other names: c.66C>G, p.Ile22Met (NM_000425.5, NM_001143963.2, NM_024003.3); short protein forms I22M.
Identifiers: ClinVar variation 1506439 (VCV001506439.8), dbSNP rs1557094388, ClinGen allele CA415142559.

ClinVar aggregate classification (germline): Uncertain significance (1 of 4 stars; one submission).

Conditions:
Spastic paraplegia. Identifiers: MedGen C0037772, HP:0001258.

Submission:

Labcorp Genetics (formerly Invitae), Labcorp
Classification: Uncertain significance for Spastic paraplegia. Last evaluated: 2020-12-06. Review status: criteria provided, single submitter. Criteria: Invitae Variant Classification Sherloc (09022015). Collection method: clinical testing. Allele origin: germline.
Comment: In summary, the available evidence is currently insufficient to determine the role of this variant in disease. Therefore, it has been classified as a Variant of Uncertain Significance. Advanced modeling of protein sequence and biophysical properties (such as structural, functional, and spatial information, amino acid conservation, physicochemical variation, residue mobility, and thermodynamic stability) performed at Invitae indicates that this missense variant is not expected to disrupt L1CAM protein function. This variant has not been reported in the literature in individuals with L1CAM-related conditions. This variant is not present in population databases (ExAC no frequency). This sequence change replaces isoleucine with methionine at codon 22 of the L1CAM protein (p.Ile22Met). The isoleucine residue is highly conserved and there is a small physicochemical difference between isoleucine and methionine.